The following is an entry in ClinVar:

ClinVar aggregate classification (germline): Uncertain significance (1 of 4 stars; one submission).

Conditions:
Hereditary cancer-predisposing syndrome. Also called: Neoplastic Syndromes, Hereditary; Tumor predisposition; Hereditary Cancer Syndrome; Hereditary neoplastic syndrome. Identifiers: Orphanet 140162, MedGen C0027672, MeSH D009386, MONDO:0015356.

Allele frequency attached by ClinVar (database versions not stated): gnomAD exomes below 0.00001.
gnomAD v4.1: 1 of 1,614,060 alleles (0.000062%); highest among the groups gnomAD compares: South Asian, 0.0011%; no homozygotes.

Submission:

Ambry Genetics
Classification: Uncertain significance for Hereditary cancer-predisposing syndrome. Last evaluated: 2024-10-29. Review status: criteria provided, single submitter. Criteria: Ambry Variant Classification Scheme 2023. Collection method: clinical testing. Allele origin: germline.
Comment: The p.W1058R variant (also known as c.3172T>A), located in coding exon 21 of the ATM gene, results from a T to A substitution at nucleotide position 3172. The tryptophan at codon 1058 is replaced by arginine, an amino acid with dissimilar properties. This amino acid position is highly conserved in available vertebrate species. In addition, this alteration is predicted to be deleterious by in silico analysis. Based on the available evidence, the clinical significance of this variant remains unclear.

NM_000051.4(ATM):c.3172T>A (p.Trp1058Arg)

Gene: ATM (ATM serine/threonine kinase; plus strand). Cytogenetic location: 11q22.3.
Variant type: single nucleotide variant.
Coding change: c.3172T>A on transcript NM_000051.4 (MANE Select); coding-DNA position 3172, T replaced by A.
Protein change: p.Trp1058Arg; replaces tryptophan 1058 with arginine.
Molecular consequence: missense variant.
Genome position (GRCh38, 1-based): chr11:108,272,740, T>A. VCF-style: chr11-108272740-T-A. GRCh37 (hg19) VCF-style: chr11-108143467-T-A.
Other names: c.3172T>A, p.Trp1058Arg (NM_001351834.2); short protein forms W1058R.
Identifiers: ClinVar variation 482648 (VCV000482648.6), dbSNP rs1555085992, ClinGen allele CA382515579.